The following is an entry in ClinVar:

ClinVar aggregate classification (germline): Benign (1 of 4 stars; one submission).

Conditions:
Leigh syndrome (NULS). Also called: Leigh's necrotizing encephalopathy; Leigh's disease; Leigh Syndrome (mtDNA deletion); Leigh Disease; Subacute necrotizing encephalopathy; Necrotizing encephalopathy infantile subacute of Leigh. Identifiers: Orphanet 506, MedGen C2931891, MONDO:0009723, OMIM 256000.

Submission:

Wong Mito Lab, Molecular and Human Genetics, Baylor College of Medicine
Classification: Benign for Leigh syndrome. Last evaluated: 2019-10-17. Review status: criteria provided, single submitter. Criteria: Modified ACMG Guidelines (Unpublished). Collection method: clinical testing. Allele origin: germline.
Comment: The NC_012920.1:m.9316T>C (YP_003024032.1:p.Phe37Ser) variant in MTCO3 gene is interpretated to be a Benign variant based on the modified ACMG guidelines (unpublished). This variant meets the following evidence codes: BS1, BS2, BP4

NC_012920.1(MT-CO3):m.9316T>C

Gene: MT-CO3 (mitochondrially encoded cytochrome c oxidase III; plus strand).
Variant type: single nucleotide variant.
Genome position: chrM-9316-T-C.
Identifiers: ClinVar variation 693145 (VCV000693145.1), dbSNP rs1603222240, ClinGen allele CA414802677.